The following is an entry in ClinVar:

ClinVar aggregate classification (germline): Benign/Likely benign. Review status: criteria provided, multiple submitters, no conflicts (2 of 4 stars). 5 submissions from 5 submitters: Benign (1); Likely benign (3). 1 of the submissions does not count toward it. Last evaluated 2026-05-01.

Conditions:
GPD1-related disorder. Also called: GPD1-related condition.

Allele frequency attached by ClinVar (database versions not stated): 1000 Genomes Project 30x 0.00062; 1000 Genomes Project 0.00080; gnomAD 0.00133 and 0.00135; TOPMed 0.00142; ESP Exome Variant Server 0.00169.
gnomAD v4.1: 2,840 of 1,610,442 alleles (0.18%); highest among the groups gnomAD compares: Middle Eastern, 0.45%; 11 homozygotes.

Submissions (5):

CeGaT Center for Human Genetics Tuebingen
Classification: Likely benign. Last evaluated: 2026-05-01. Review status: criteria provided, single submitter. Criteria: CeGaT Center For Human Genetics Tuebingen Variant Classification Criteria Version 2. Collection method: clinical testing. Allele origin: germline. Affected: yes. Observed: 5 variant alleles.
Comment: GPD1: BP4, BS2

Labcorp Genetics (formerly Invitae), Labcorp
Classification: Benign. Last evaluated: 2026-01-26. Review status: criteria provided, single submitter. Criteria: Invitae Variant Classification Sherloc (09022015). Collection method: clinical testing. Allele origin: germline.

Blueprint Genetics
Classification: Likely benign. Last evaluated: 2024-11-20. Review status: criteria provided, single submitter. Criteria: ACMG Guidelines, 2015. Collection method: clinical testing. Allele origin: germline.

GeneDx
Classification: Likely benign. Last evaluated: 2021-04-23. Review status: criteria provided, single submitter. Criteria: GeneDx Variant Classification Process June 2021. Collection method: clinical testing. Allele origin: germline. Affected: yes.
Comment: This variant is associated with the following publications: (PMID: 22226083, 31619059)

PreventionGenetics, part of Exact Sciences
Classification: Likely benign for GPD1-related condition. Last evaluated: 2023-11-20. Review status: no assertion criteria provided. Collection method: clinical testing. Allele origin: germline. Not counted in ClinVar's aggregate classification.
Comment: This variant is classified as likely benign based on ACMG/AMP sequence variant interpretation guidelines (Richards et al. 2015 PMID: 25741868, with internal and published modifications).

NM_005276.4(GPD1):c.370G>A (p.Glu124Lys)

Gene: GPD1 (glycerol-3-phosphate dehydrogenase 1; plus strand). Cytogenetic location: 12q13.12.
Variant type: single nucleotide variant.
Coding change: c.370G>A on transcript NM_005276.4 (MANE Select); coding-DNA position 370, G replaced by A.
Protein change: p.Glu124Lys; replaces glutamic acid 124 with lysine.
Molecular consequence: missense variant.
Genome position (GRCh38, 1-based): chr12:50,106,297, G>A. VCF-style: chr12-50106297-G-A. GRCh37 (hg19) VCF-style: chr12-50500080-G-A.
Other names: c.301G>A, p.Glu101Lys (NM_001257199.2); short protein forms E124K, E101K.
Identifiers: ClinVar variation 702553 (VCV000702553.37), dbSNP rs34783513, ClinGen allele CA6561575.
Genomic context (GRCh38, chr12:50,106,297, plus strand): 5'-CCCGCAGGTGGGCCCAAAGGGCACCTGGCCTGAGCTCCATCCTGTGCTCAGGGGGTAGAC[G>A]AGGGCCCCAATGGGCTGAAGCTCATCTCGGAAGTGATTGGGGAGCGCCTCGGCATCCCCA-3'
Protein context (NP_005267.2, residues 114-134): TGISLIKGVD[Glu124Lys]GPNGLKLISE